The following is an entry in ClinVar:

NM_020843.4(SCAPER):c.2657A>T (p.Tyr886Phe)

Gene: SCAPER (S-phase cyclin A associated protein in the ER; minus strand). Cytogenetic location: 15q24.3.
Variant type: single nucleotide variant.
Coding change: c.2657A>T on transcript NM_020843.4 (MANE Select); coding-DNA position 2657, A replaced by T.
Protein change: p.Tyr886Phe; replaces tyrosine 886 with phenylalanine.
Molecular consequence: missense variant. On other transcripts: non-coding transcript variant (1).
Genome position (GRCh38, 1-based): chr15:76,621,818, T>A on the plus strand (A>T on the coding strand, the complement: SCAPER is on the minus strand). VCF-style: chr15-76621818-T-A. GRCh37 (hg19) VCF-style: chr15-76914159-T-A.
Other names: c.2675A>T (NM_001353009.1); c.1919A>T, p.Tyr640Phe (NM_001145923.2); c.2675A>T, p.Tyr892Phe (NM_001353009.2); c.2255A>T, p.Tyr752Phe (NM_001353010.2, NM_001353012.2); c.2273A>T, p.Tyr758Phe (NM_001353011.2); short protein forms Y758F, Y886F, Y640F, Y752F, Y892F.
Identifiers: ClinVar variation 782340 (VCV000782340.35), dbSNP rs184003295, ClinGen allele CA7674644.

ClinVar aggregate classification (germline): Benign/Likely benign. Review status: criteria provided, multiple submitters, no conflicts (2 of 4 stars). 5 submissions from 5 submitters: Benign (2); Likely benign (2). 1 of the submissions does not count toward it. Last evaluated 2026-09-01.

Conditions:
SCAPER-related disorder. Also called: SCAPER-related condition.
Inborn genetic diseases. Identifiers: MedGen C0950123, MeSH D030342.

Allele frequency attached by ClinVar (database versions not stated): 1000 Genomes Project 0.00140; 1000 Genomes Project 30x 0.00141; TOPMed 0.00352; gnomAD exomes 0.00380; ESP Exome Variant Server 0.00384; ExAC 0.00587.
gnomAD v4.1: 7,923 of 1,605,562 alleles (0.49%); highest among the groups gnomAD compares: Non-Finnish European, 0.56%; 33 homozygotes.

Submissions (5):

CeGaT Center for Human Genetics Tuebingen
Classification: Likely benign. Last evaluated: 2026-09-01. Review status: criteria provided, single submitter. Criteria: CeGaT Center For Human Genetics Tuebingen Variant Classification Criteria Version 2. Collection method: clinical testing. Allele origin: germline. Affected: yes. Observed: 27 variant alleles.
Comment: SCAPER: BS2

Ambry Genetics
Classification: Likely benign for Inborn genetic diseases. Last evaluated: 2022-03-29. Review status: criteria provided, single submitter. Criteria: Ambry Variant Classification Scheme 2023. Collection method: clinical testing. Allele origin: germline.

Labcorp Genetics (formerly Invitae), Labcorp
Classification: Benign. Last evaluated: 2019-12-31. Review status: criteria provided, single submitter. Criteria: Invitae Variant Classification Sherloc (09022015). Collection method: clinical testing. Allele origin: germline.

Breakthrough Genomics
Classification: Benign. Review status: criteria provided, single submitter. Criteria: ACMG Guidelines, 2015. Collection method: not provided. Allele origin: germline. Inheritance: Autosomal recessive inheritance. Affected: yes.

PreventionGenetics, part of Exact Sciences
Classification: Benign for SCAPER-related condition. Last evaluated: 2019-06-19. Review status: no assertion criteria provided. Collection method: clinical testing. Allele origin: germline. Not counted in ClinVar's aggregate classification.
Comment: This variant is classified as benign based on ACMG/AMP sequence variant interpretation guidelines (Richards et al. 2015 PMID: 25741868, with internal and published modifications).